The following is an entry in ClinVar:

NM_021813.4(BACH2):c.1791G>A (p.Ser597=)

Gene: BACH2 (BACH transcriptional regulator 2; minus strand). Cytogenetic location: 6q15.
Variant type: single nucleotide variant.
Coding change: c.1791G>A on transcript NM_021813.4 (MANE Select); coding-DNA position 1791, G replaced by A.
Protein change: p.Ser597=; no amino-acid change (serine 597 retained).
Molecular consequence: synonymous variant.
Genome position (GRCh38, 1-based): chr6:89,950,315, C>T on the plus strand (G>A on the coding strand, the complement: BACH2 is on the minus strand). VCF-style: chr6-89950315-C-T. GRCh37 (hg19) VCF-style: chr6-90660034-C-T.
Other names: c.1791G>A, p.Ser597= (NM_001170794.2); c.1791G>A (NM_021813.3).
Identifiers: ClinVar variation 1564213 (VCV001564213.10), dbSNP rs755356618, ClinGen allele CA3927933.

ClinVar aggregate classification (germline): Likely benign. Review status: criteria provided, single submitter (1 of 4 stars). 2 submissions from 2 submitters: Likely benign (1). 1 of the submissions does not count toward it. Last evaluated 2026-01-17.

Conditions:
BACH2-related disorder. Also called: BACH2-related condition.

Allele frequency attached by ClinVar (database versions not stated): ExAC 0.00011; gnomAD exomes 0.00012.
gnomAD v4.1: 61 of 1,614,012 alleles (0.0038%); highest among the groups gnomAD compares: Admixed American, 0.058%; no homozygotes.

Submissions (2):

Labcorp Genetics (formerly Invitae), Labcorp
Classification: Likely benign. Last evaluated: 2026-01-17. Review status: criteria provided, single submitter. Criteria: Invitae Variant Classification Sherloc (09022015). Collection method: clinical testing. Allele origin: germline.

PreventionGenetics, part of Exact Sciences
Classification: Likely benign for BACH2-related condition. Last evaluated: 2023-01-02. Review status: no assertion criteria provided. Collection method: clinical testing. Allele origin: germline. Not counted in ClinVar's aggregate classification.
Comment: This variant is classified as likely benign based on ACMG/AMP sequence variant interpretation guidelines (Richards et al. 2015 PMID: 25741868, with internal and published modifications).